The following is an entry in ClinVar:

NM_002599.5(PDE2A):c.1256C>T (p.Thr419Met)

Genes: PDE2A (phosphodiesterase 2A; minus strand), PDE2A-AS2 (PDE2A antisense RNA 2; plus strand). Cytogenetic location: 11q13.4.
Variant type: single nucleotide variant.
Coding change: c.1256C>T on transcript NM_002599.5 (MANE Select); coding-DNA position 1256, C replaced by T.
Protein change: p.Thr419Met; replaces threonine 419 with methionine.
Molecular consequence: missense variant.
Genome position (GRCh38, 1-based): chr11:72,585,401, G>A on the plus strand (C>T on the coding strand, the complement: PDE2A is on the minus strand). VCF-style: chr11-72585401-G-A. GRCh37 (hg19) VCF-style: chr11-72296445-G-A.
Other names: c.1235C>T, p.Thr412Met (NM_001143839.4); c.1229C>T, p.Thr410Met (NM_001146209.3); c.1193C>T, p.Thr398Met (NM_001243784.2); short protein forms T410M, T412M, T398M, T419M.
Identifiers: ClinVar variation 1483315 (VCV001483315.8), dbSNP rs763395523, ClinGen allele CA6172254.
Genomic context (GRCh38, chr11:72,585,401, plus strand): 5'-TCGCCCTGTCCCCTGGGTAGAGTCACTCACATCTCTGCGTTGCTGAGGTTTCTGGCCTCC[G>A]TGATGATCTCCTGGAGCAGGACAGAGACGTCATCTGGGGAAGGGAGAAGACCAGGCAGGG-3'
Protein context (NP_002590.1, residues 409-429): DVSVLLQEII[Thr419Met]EARNLSNAEI

ClinVar aggregate classification (germline): Uncertain significance (1 of 4 stars; one submission).

Allele frequency attached by ClinVar (database versions not stated): gnomAD exomes below 0.00001 and 0.00001; ExAC 0.00001; TOPMed 0.00001.
gnomAD v4.1: 4 of 1,614,138 alleles (0.00025%); highest among the groups gnomAD compares: South Asian, 0.0011%; no homozygotes.

Submission:

Labcorp Genetics (formerly Invitae), Labcorp
Classification: Uncertain significance. Last evaluated: 2021-07-21. Review status: criteria provided, single submitter. Criteria: Invitae Variant Classification Sherloc (09022015). Collection method: clinical testing. Allele origin: germline.
Comment: This variant has not been reported in the literature in individuals affected with PDE2A-related conditions. This variant is present in population databases (rs763395523, ExAC 0.002%). This sequence change replaces threonine with methionine at codon 419 of the PDE2A protein (p.Thr419Met). The threonine residue is moderately conserved and there is a moderate physicochemical difference between threonine and methionine. Algorithms developed to predict the effect of missense changes on protein structure and function are either unavailable or do not agree on the potential impact of this missense change (SIFT: "Deleterious"; PolyPhen-2: "Possibly Damaging"; Align-GVGD: "Class C0"). In summary, the available evidence is currently insufficient to determine the role of this variant in disease. Therefore, it has been classified as a Variant of Uncertain Significance.